The following is an entry in ClinVar:

ClinVar aggregate classification (germline): Uncertain significance (1 of 4 stars; one submission).

Allele frequency attached by ClinVar (database versions not stated): gnomAD exomes below 0.00001.
gnomAD v4.1: 1 of 1,589,160 alleles (0.000063%); highest among the groups gnomAD compares: Non-Finnish European, 0.000086%; no homozygotes.

Submission:

Labcorp Genetics (formerly Invitae), Labcorp
Classification: Uncertain significance. Last evaluated: 2025-05-17. Review status: criteria provided, single submitter. Criteria: Invitae Variant Classification Sherloc (09022015). Collection method: clinical testing. Allele origin: germline.
Comment: This sequence change replaces serine, which is neutral and polar, with proline, which is neutral and non-polar, at codon 2794 of the DCHS1 protein (p.Ser2794Pro). This variant is not present in population databases (gnomAD no frequency). This variant has not been reported in the literature in individuals affected with DCHS1-related conditions. ClinVar contains an entry for this variant (Variation ID: 2013590). Invitae Evidence Modeling of protein sequence and biophysical properties (such as structural, functional, and spatial information, amino acid conservation, physicochemical variation, residue mobility, and thermodynamic stability) has been performed for this missense variant. However, the output from this modeling did not meet the statistical confidence thresholds required to predict the impact of this variant on DCHS1 protein function. In summary, the available evidence is currently insufficient to determine the role of this variant in disease. Therefore, it has been classified as a Variant of Uncertain Significance.

NM_003737.4(DCHS1):c.8380T>C (p.Ser2794Pro)

Gene: DCHS1 (dachsous cadherin-related 1; minus strand). Cytogenetic location: 11p15.4.
Variant type: single nucleotide variant.
Coding change: c.8380T>C on transcript NM_003737.4 (MANE Select); coding-DNA position 8380, T replaced by C.
Protein change: p.Ser2794Pro; replaces serine 2794 with proline.
Molecular consequence: missense variant.
Genome position (GRCh38, 1-based): chr11:6,623,296, A>G on the plus strand (T>C on the coding strand, the complement: DCHS1 is on the minus strand). VCF-style: chr11-6623296-A-G. GRCh37 (hg19) VCF-style: chr11-6644527-A-G.
Other names: short protein forms S2794P.
Identifiers: ClinVar variation 2013590 (VCV002013590.4), dbSNP rs1855735865, ClinGen allele CA379481146.